The following is an entry in ClinVar:

ClinVar aggregate classification (germline): Uncertain significance (1 of 4 stars; one submission).

Submission:

GeneDx
Classification: Uncertain significance. Last evaluated: 2024-10-15. Review status: criteria provided, single submitter. Criteria: GeneDx Variant Classification Process June 2021. Collection method: clinical testing. Allele origin: germline. Affected: yes.
Comment: Not observed at significant frequency in large population cohorts (gnomAD); In silico analysis indicates that this missense variant does not alter protein structure/function; Has not been previously published as pathogenic or benign to our knowledge

NM_017934.7(PHIP):c.5054A>G (p.Glu1685Gly)

Genes: IRAK1BP1 (interleukin 1 receptor associated kinase 1 binding protein 1; plus strand), PHIP (PHIP subunit of CUL4-Ring ligase complex; minus strand). Cytogenetic location: 6q14.1.
Variant type: single nucleotide variant.
Coding change: c.5054A>G on transcript NM_017934.7 (MANE Select); coding-DNA position 5054, A replaced by G.
Protein change: p.Glu1685Gly; replaces glutamic acid 1685 with glycine.
Molecular consequence: missense variant.
Genome position (GRCh38, 1-based): chr6:78,941,105, T>C on the plus strand (A>G on the coding strand, the complement: PHIP is on the minus strand). VCF-style: chr6-78941105-T-C. GRCh37 (hg19) VCF-style: chr6-79650822-T-C.
Other names: short protein forms E1685G.
Identifiers: ClinVar variation 3781133 (VCV003781133.1).